The following is an entry in ClinVar:

ClinVar aggregate classification (germline): Uncertain significance (1 of 4 stars; one submission).

Allele frequency attached by ClinVar (database versions not stated): TOPMed below 0.00001; gnomAD 0.00001; gnomAD exomes 0.00001; ExAC 0.00002.

Submission:

Labcorp Genetics (formerly Invitae), Labcorp
Classification: Uncertain significance. Last evaluated: 2024-07-22. Review status: criteria provided, single submitter. Criteria: Invitae Variant Classification Sherloc (09022015). Collection method: clinical testing. Allele origin: germline.
Comment: This sequence change replaces alanine, which is neutral and non-polar, with valine, which is neutral and non-polar, at codon 73 of the TK2 protein (p.Ala73Val). This variant is present in population databases (rs202214358, gnomAD 0.004%). This variant has not been reported in the literature in individuals affected with TK2-related conditions. ClinVar contains an entry for this variant (Variation ID: 1935293). Advanced modeling of protein sequence and biophysical properties (such as structural, functional, and spatial information, amino acid conservation, physicochemical variation, residue mobility, and thermodynamic stability) performed at Invitae indicates that this missense variant is not expected to disrupt TK2 protein function with a negative predictive value of 80%. In summary, the available evidence is currently insufficient to determine the role of this variant in disease. Therefore, it has been classified as a Variant of Uncertain Significance.

NM_004614.5(TK2):c.218C>T (p.Ala73Val)

Gene: TK2 (thymidine kinase 2; minus strand). Cytogenetic location: 16q21.
Variant type: single nucleotide variant.
Coding change: c.218C>T on transcript NM_004614.5 (MANE Select); coding-DNA position 218, C replaced by T.
Protein change: p.Ala73Val; replaces alanine 73 with valine.
Molecular consequence: missense variant. On other transcripts: 5 prime UTR variant (1), non-coding transcript variant (1), intron variant (1).
Genome position (GRCh38, 1-based): chr16:66,541,892, G>A on the plus strand (C>T on the coding strand, the complement: TK2 is on the minus strand). VCF-style: chr16-66541892-G-A. GRCh37 (hg19) VCF-style: chr16-66575795-G-A.
Other names: c.125C>T, p.Ala42Val (NM_001172643.1, NM_001271935.1); c.218C>T, p.Ala73Val (NM_001172645.2); c.71C>T, p.Ala24Val (NM_001271934.2); c.-74C>T (NM_001272050.2); c.157-4875C>T (NM_001172644.2); short protein forms A73V, A24V, A42V.
Identifiers: ClinVar variation 1935293 (VCV001935293.3), dbSNP rs202214358, ClinGen allele CA8093762.